The following is an entry in ClinVar:

ClinVar aggregate classification (germline): Uncertain significance (1 of 4 stars; one submission).

Conditions:
Developmental and epileptic encephalopathy, 54. Also called: Epileptic encephalopathy, early infantile, 54; HNRNPU-Related Neurodevelopmental Disorder. Identifiers: MedGen C4479319, MONDO:0033363, OMIM 617391.

Submission:

Labcorp Genetics (formerly Invitae), Labcorp
Classification: Uncertain significance for Developmental and epileptic encephalopathy, 54. Last evaluated: 2022-09-07. Review status: criteria provided, single submitter. Criteria: Invitae Variant Classification Sherloc (09022015). Collection method: clinical testing. Allele origin: germline.
Comment: In summary, the available evidence is currently insufficient to determine the role of this variant in disease. Therefore, it has been classified as a Variant of Uncertain Significance. Algorithms developed to predict the effect of missense changes on protein structure and function are either unavailable or do not agree on the potential impact of this missense change (SIFT: "Tolerated"; PolyPhen-2: "Not Available"; Align-GVGD: "Class C0"). ClinVar contains an entry for this variant (Variation ID: 1488570). This variant has not been reported in the literature in individuals affected with HNRNPU-related conditions. This variant is not present in population databases (gnomAD no frequency). This sequence change replaces glycine, which is neutral and non-polar, with alanine, which is neutral and non-polar, at codon 529 of the HNRNPU protein (p.Gly529Ala).

NM_031844.3(HNRNPU):c.1586G>C (p.Gly529Ala)

Gene: HNRNPU (heterogeneous nuclear ribonucleoprotein U; minus strand). Cytogenetic location: 1q44.
Variant type: single nucleotide variant.
Coding change: c.1586G>C on transcript NM_031844.3 (MANE Select); coding-DNA position 1586, G replaced by C.
Protein change: p.Gly529Ala; replaces glycine 529 with alanine.
Molecular consequence: missense variant.
Genome position (GRCh38, 1-based): chr1:244,857,626, C>G on the plus strand (G>C on the coding strand, the complement: HNRNPU is on the minus strand). VCF-style: chr1-244857626-C-G. GRCh37 (hg19) VCF-style: chr1-245020928-C-G.
Other names: c.1529G>C, p.Gly510Ala (NM_004501.3); short protein forms G510A, G529A.
Identifiers: ClinVar variation 1488570 (VCV001488570.8), dbSNP rs2102986351, ClinGen allele CA345490687.